The following is an entry in ClinVar:

ClinVar aggregate classification (germline): Pathogenic. Review status: criteria provided, multiple submitters, no conflicts (2 of 4 stars). 2 submissions from 2 submitters: Pathogenic (2). Last evaluated 2026-02-23.

Conditions:
Multiple endocrine neoplasia, type 1 (MEN1). Also called: MEN I; WERMER SYNDROME; Endocrine adenomatosis multiple; MEN 1; MEA I. Identifiers: Orphanet 652, MedGen C0025267, MeSH D018761, MONDO:0007540, OMIM 131100.

Submissions (2):

Women's Health and Genetics/Laboratory Corporation of America, LabCorp
Classification: Pathogenic for Multiple endocrine neoplasia, type 1. Last evaluated: 2026-02-23. Review status: criteria provided, single submitter. Criteria: LabCorp Variant Classification Summary - May 2015. Collection method: clinical testing. Allele origin: germline.
Comment: Variant summary: MEN1 c.374dupT (p.Trp126MetfsX54) results in a premature termination codon, predicted to cause a truncation of the encoded protein or absence of the protein due to nonsense mediated decay, which are commonly known mechanisms for disease. The variant was absent in 251474 control chromosomes. To our knowledge, no occurrence of c.374dupT in individuals affected with MEN1-related conditions and no experimental evidence demonstrating its impact on protein function have been reported. ClinVar contains an entry for this variant (Variation ID: 2810890). Based on the evidence outlined above, the variant was classified as pathogenic.

Labcorp Genetics (formerly Invitae), Labcorp
Classification: Pathogenic for Multiple endocrine neoplasia, type 1. Last evaluated: 2025-12-15. Review status: criteria provided, single submitter. Criteria: Invitae Variant Classification Sherloc (09022015). Collection method: clinical testing. Allele origin: germline.
Comment: This sequence change creates a premature translational stop signal (p.Trp126Metfs*54) in the MEN1 gene. It is expected to result in an absent or disrupted protein product. Loss-of-function variants in MEN1 are known to be pathogenic (PMID: 12112656, 17853334). This variant is not present in population databases (gnomAD no frequency). This variant has not been reported in the literature in individuals affected with MEN1-related conditions. ClinVar contains an entry for this variant (Variation ID: 2810890). For these reasons, this variant has been classified as Pathogenic.

Literature cited by the submitters: PubMed 12112656 (cited by Labcorp Genetics (formerly Invitae), Labcorp); PubMed 17853334 (cited by Labcorp Genetics (formerly Invitae), Labcorp).

NM_001370259.2(MEN1):c.374dup (p.Trp126fs)

Gene: MEN1 (menin 1; minus strand). Cytogenetic location: 11q13.1.
Variant type: Duplication.
Coding change: c.374dup on transcript NM_001370259.2 (MANE Select); coding-DNA position 374, one base duplicated (T; older notation c.374dupT).
Protein change: p.Trp126fs; shifts the reading frame from tryptophan 126.
Molecular consequence: frameshift variant. On other transcripts: non-coding transcript variant (4).
Genome position (GRCh38, 1-based): chr11:64,809,736, A duplicated on the plus strand (T on the coding strand, the reverse complement: MEN1 is on the minus strand). VCF-style (leftmost placement, unchanged base first): chr11-64809735-T-TA. GRCh37 (hg19) VCF-style: chr11-64577207-T-TA.
Other names: c.374dup, p.Trp126fs (NM_000244.4, NM_001370251.2, NM_001370260.2 and 20 more transcripts); c.374dupT (NM_130799.3); short protein forms W126fs.
Identifiers: ClinVar variation 2810890 (VCV002810890.4), dbSNP rs2497261165, ClinGen allele CA2739270486.